The following is an entry in ClinVar:

ClinVar aggregate classification (germline): Uncertain significance. Review status: criteria provided, multiple submitters, no conflicts (2 of 4 stars). 2 submissions from 2 submitters: Uncertain significance (2). Last evaluated 2026-02-27.

Allele frequency attached by ClinVar (database versions not stated): gnomAD exomes 0.00005 and 0.00016; TOPMed 0.00004; ExAC 0.00024.
gnomAD v4.1: 213 of 1,507,488 alleles (0.014%); highest among the groups gnomAD compares: Non-Finnish European, 0.018%; no homozygotes.

Submissions (2):

GeneDx
Classification: Uncertain significance. Last evaluated: 2026-02-27. Review status: criteria provided, single submitter. Criteria: GeneDx Variant Classification Process June 2021. Collection method: clinical testing. Allele origin: germline.
Comment: In silico analysis suggests that this missense variant does not alter protein structure/function; Has not been previously published as pathogenic or benign to our knowledge

Labcorp Genetics (formerly Invitae), Labcorp
Classification: Uncertain significance. Last evaluated: 2022-06-25. Review status: criteria provided, single submitter. Criteria: Invitae Variant Classification Sherloc (09022015). Collection method: clinical testing. Allele origin: germline.
Comment: This sequence change replaces glycine, which is neutral and non-polar, with cysteine, which is neutral and slightly polar, at codon 25 of the WHRN protein (p.Gly25Cys). The frequency data for this variant in the population databases is considered unreliable, as metrics indicate poor data quality at this position in the gnomAD database. This variant has not been reported in the literature in individuals affected with WHRN-related conditions. Algorithms developed to predict the effect of missense changes on protein structure and function are either unavailable or do not agree on the potential impact of this missense change (SIFT: "Deleterious"; PolyPhen-2: "Probably Damaging"; Align-GVGD: "Class C0"). In summary, the available evidence is currently insufficient to determine the role of this variant in disease. Therefore, it has been classified as a Variant of Uncertain Significance.

NM_015404.4(WHRN):c.73G>T (p.Gly25Cys)

Gene: WHRN (whirlin; minus strand). Cytogenetic location: 9q32.
Variant type: single nucleotide variant.
Coding change: c.73G>T on transcript NM_015404.4 (MANE Select); coding-DNA position 73, G replaced by T.
Protein change: p.Gly25Cys; replaces glycine 25 with cysteine.
Molecular consequence: missense variant.
Genome position (GRCh38, 1-based): chr9:114,504,729, C>A on the plus strand (G>T on the coding strand, the complement: WHRN is on the minus strand). VCF-style: chr9-114504729-C-A. GRCh37 (hg19) VCF-style: chr9-117267009-C-A.
Other names: c.73G>T, p.Gly25Cys (NM_001173425.2); short protein forms G25C.
Identifiers: ClinVar variation 1379692 (VCV001379692.6), dbSNP rs774198237, ClinGen allele CA5206367.
Genomic context (GRCh38, chr9:114,504,729, plus strand): 5'-CTTGGTGCAGCTGGCGCACGTTGGCAGACAGTAACCGCAGCCCCGCGCCCCCGCCGCCGC[C>A]CGCCCCGGCCGCCGAGCCCAGCGAGCCGGTGGAGGACGAGCTCACCGACAGGCCGTCCAG-3'
Protein context (NP_056219.3, residues 15-35): TGSLGSAAGA[Gly25Cys]GGGGAGLRLL